The following is an entry in ClinVar:

NM_006031.6(PCNT):c.5701A>G (p.Ile1901Val)

Gene: PCNT (pericentrin; plus strand). Cytogenetic location: 21q22.3.
Variant type: single nucleotide variant.
Coding change: c.5701A>G on transcript NM_006031.6 (MANE Select); coding-DNA position 5701, A replaced by G.
Protein change: p.Ile1901Val; replaces isoleucine 1901 with valine.
Molecular consequence: missense variant.
Genome position (GRCh38, 1-based): chr21:46,411,774, A>G. VCF-style: chr21-46411774-A-G. GRCh37 (hg19) VCF-style: chr21-47831688-A-G.
Other names: c.5347A>G, p.Ile1783Val (NM_001315529.2); short protein forms I1783V, I1901V.
Identifiers: ClinVar variation 3347450 (VCV003347450.1).

ClinVar aggregate classification (germline): Uncertain significance (0 of 4 stars; one submission).

Conditions:
PCNT-related disorder. Also called: PCNT-related condition.

gnomAD v4.1: 17 of 1,606,454 alleles (0.0011%); highest among the groups gnomAD compares: East Asian, 0.02%; no homozygotes.

Submission:

PreventionGenetics, part of Exact Sciences
Classification: Uncertain significance for PCNT-related condition. Last evaluated: 2024-04-17. Review status: no assertion criteria provided. Collection method: clinical testing. Allele origin: germline.
Comment: The PCNT c.5701A>G variant is predicted to result in the amino acid substitution p.Ile1901Val. To our knowledge, this variant has not been reported in the literature. This variant is reported in 0.027% of alleles in individuals of East Asian descent in gnomAD. At this time, the clinical significance of this variant is uncertain due to the absence of conclusive functional and genetic evidence.